The following is an entry in ClinVar:

ClinVar aggregate classification (germline): Uncertain significance (1 of 4 stars; one submission).

Allele frequency attached by ClinVar (database versions not stated): gnomAD exomes below 0.00001.
gnomAD v4.1: 1 of 1,614,202 alleles (0.000062%); highest among the groups gnomAD compares: Non-Finnish European, 0.000085%; no homozygotes.

Submission:

GeneDx
Classification: Uncertain significance. Last evaluated: 2023-05-15. Review status: criteria provided, single submitter. Criteria: GeneDx Variant Classification Process June 2021. Collection method: clinical testing. Allele origin: germline. Affected: yes.
Comment: Not observed at significant frequency in large population cohorts (gnomAD); In silico analysis supports that this missense variant has a deleterious effect on protein structure/function; Has not been previously published as pathogenic or benign to our knowledge

NM_021830.5(TWNK):c.1034C>T (p.Ala345Val)

Gene: TWNK (twinkle mtDNA helicase; plus strand). Cytogenetic location: 10q24.31.
Variant type: single nucleotide variant.
Coding change: c.1034C>T on transcript NM_021830.5 (MANE Select); coding-DNA position 1034, C replaced by T.
Protein change: p.Ala345Val; replaces alanine 345 with valine.
Molecular consequence: missense variant. On other transcripts: non-coding transcript variant (4), intron variant (3).
Genome position (GRCh38, 1-based): chr10:100,989,244, C>T. VCF-style: chr10-100989244-C-T. GRCh37 (hg19) VCF-style: chr10-102749001-C-T.
Other names: c.1034C>T, p.Ala345Val (NM_001163812.2); c.-119-400C>T (NM_001163814.2, NM_001163813.2); c.-57-462C>T (NM_001368275.1); short protein forms A345V.
Identifiers: ClinVar variation 2662326 (VCV002662326.1), dbSNP rs2493633165, ClinGen allele CA378209714.
Genomic context (GRCh38, chr10:100,989,244, plus strand): 5'-TGAACCCCAAACGATGCTTCTTGGTGCGACCAGGAGACCAGCAACCCCGTCCCCTGGAGG[C>T]CCTGAACGGAGGCTTCAATCTTTCTCGTATTCTTCGTACCGCCCTGCCTGCCTGGCACAA-3'
Protein context (NP_068602.2, residues 335-355): PGDQQPRPLE[Ala345Val]LNGGFNLSRI